The following is an entry in ClinVar:

NM_001123385.2(BCOR):c.874G>T (p.Gly292Cys)

Genes: BCOR (BCL6 corepressor; minus strand), LOC126863239 (MED14-independent group 3 enhancer GRCh37_chrX:39932994-39934193; plus strand). Cytogenetic location: Xp11.4.
Variant type: single nucleotide variant.
Coding change: c.874G>T on transcript NM_001123385.2 (MANE Select); coding-DNA position 874, G replaced by T.
Protein change: p.Gly292Cys; replaces glycine 292 with cysteine.
Molecular consequence: missense variant.
Genome position (GRCh38, 1-based): chrX:40,074,472, C>A on the plus strand (G>T on the coding strand, the complement: BCOR is on the minus strand). VCF-style: chrX-40074472-C-A. GRCh37 (hg19) VCF-style: chrX-39933725-C-A.
Other names: c.874G>T, p.Gly292Cys (NM_001123383.2, NM_001123384.2, NM_017745.6); short protein forms G292C.
Identifiers: ClinVar variation 210525 (VCV000210525.9), dbSNP rs774040250, ClinGen allele CA208017.

ClinVar aggregate classification (germline): Uncertain significance. Review status: criteria provided, multiple submitters, no conflicts (2 of 4 stars). 2 submissions from 2 submitters: Uncertain significance (2). Last evaluated 2023-10-12.

Conditions:
Oculofaciocardiodental syndrome (MCOPS2). Identifiers: Orphanet 2712, MedGen C1846265, MONDO:0010261, OMIM 300166.

Allele frequency attached by ClinVar (database versions not stated): gnomAD 0.00001; gnomAD exomes 0.00001 and 0.00003; ExAC 0.00008.
gnomAD v4.1: 14 of 1,204,010 alleles (0.0012%); highest among the groups gnomAD compares: South Asian, 0.023%; no homozygotes.

Submissions (2):

Labcorp Genetics (formerly Invitae), Labcorp
Classification: Uncertain significance for Oculofaciocardiodental syndrome. Last evaluated: 2023-10-12. Review status: criteria provided, single submitter. Criteria: Invitae Variant Classification Sherloc (09022015). Collection method: clinical testing. Allele origin: germline.
Comment: This sequence change replaces glycine, which is neutral and non-polar, with cysteine, which is neutral and slightly polar, at codon 292 of the BCOR protein (p.Gly292Cys). This variant is present in population databases (rs774040250, gnomAD 0.03%). This variant has not been reported in the literature in individuals affected with BCOR-related conditions. ClinVar contains an entry for this variant (Variation ID: 210525). An algorithm developed to predict the effect of missense changes on protein structure and function (PolyPhen-2) suggests that this variant is likely to be disruptive. In summary, the available evidence is currently insufficient to determine the role of this variant in disease. Therefore, it has been classified as a Variant of Uncertain Significance.

Genetic Services Laboratory, University of Chicago
Classification: Uncertain significance. Last evaluated: 2014-09-05. Review status: criteria provided, single submitter. Criteria: ACMG Guidelines, 2015. Collection method: clinical testing. Allele origin: germline.